The following is an entry in ClinVar:

ClinVar aggregate classification (germline): Uncertain significance (1 of 4 stars; one submission).

Submission:

Labcorp Genetics (formerly Invitae), Labcorp
Classification: Uncertain significance. Last evaluated: 2023-06-29. Review status: criteria provided, single submitter. Criteria: Invitae Variant Classification Sherloc (09022015). Collection method: clinical testing. Allele origin: germline.
Comment: In summary, the available evidence is currently insufficient to determine the role of this variant in disease. Therefore, it has been classified as a Variant of Uncertain Significance. Advanced modeling of protein sequence and biophysical properties (such as structural, functional, and spatial information, amino acid conservation, physicochemical variation, residue mobility, and thermodynamic stability) performed at Invitae indicates that this missense variant is expected to disrupt OPA1 protein function. This variant has not been reported in the literature in individuals affected with OPA1-related conditions. This variant is not present in population databases (gnomAD no frequency). This sequence change replaces arginine, which is basic and polar, with leucine, which is neutral and non-polar, at codon 101 of the OPA1 protein (p.Arg101Leu).

NM_130837.3(OPA1):c.302G>T (p.Arg101Leu)

Gene: OPA1 (OPA1 mitochondrial dynamin like GTPase; plus strand). Cytogenetic location: 3q29.
Variant type: single nucleotide variant.
Coding change: c.302G>T on transcript NM_130837.3 (MANE Select); coding-DNA position 302, G replaced by T.
Protein change: p.Arg101Leu; replaces arginine 101 with leucine.
Molecular consequence: missense variant. On other transcripts: 5 prime UTR variant (2).
Genome position (GRCh38, 1-based): chr3:193,614,992, G>T. VCF-style: chr3-193614992-G-T. GRCh37 (hg19) VCF-style: chr3-193332781-G-T.
Other names: c.302G>T, p.Arg101Leu (NM_130835.3, NM_130836.3, NM_015560.3 and 4 more transcripts); c.-71G>T (NM_001354663.2, NM_001354664.2); short protein forms R101L.
Identifiers: ClinVar variation 2733333 (VCV002733333.3), dbSNP rs201856560, ClinGen allele CA355786923.
Genomic context (GRCh38, chr3:193,614,992, plus strand): 5'-GCTACCAGCCTCGCAGGAATTTTTGGCCAGCAAGATTAGCTACGAGACTCTTAAAACTTC[G>T]CTATCTCATACTAGGATCGGCTGTTGGGGGTGGCTACACAGCCAAAAAGGTGAACTTGAC-3'
Protein context (NP_570850.2, residues 91-111): ARLATRLLKL[Arg101Leu]YLILGSAVGG